The following is an entry in ClinVar:

ClinVar aggregate classification (germline): Uncertain significance. Review status: criteria provided, multiple submitters, no conflicts (2 of 4 stars). 2 submissions from 2 submitters: Uncertain significance (2). Last evaluated 2025-05-05.

Conditions:
Cardiovascular phenotype. Identifiers: MedGen CN230736.

Allele frequency attached by ClinVar (database versions not stated): gnomAD exomes below 0.00001; gnomAD 0.00001; TOPMed 0.00001.
gnomAD v4.1: 1 of 1,613,958 alleles (0.000062%); highest among the groups gnomAD compares: Non-Finnish European, 0.000085%; no homozygotes.

Submissions (2):

Ambry Genetics
Classification: Uncertain significance for Cardiovascular phenotype. Last evaluated: 2025-05-05. Review status: criteria provided, single submitter. Criteria: Ambry Variant Classification Scheme 2023. Collection method: clinical testing. Allele origin: germline.
Comment: The p.L1000P variant (also known as c.2999T>C), located in coding exon 6 of the ALPK3 gene, results from a T to C substitution at nucleotide position 2999. The leucine at codon 1000 is replaced by proline, an amino acid with similar properties. This amino acid position is not well conserved in available vertebrate species. In addition, this alteration is predicted to be tolerated by in silico analysis. Since supporting evidence is limited at this time, the clinical significance of this alteration remains unclear.

Labcorp Genetics (formerly Invitae), Labcorp
Classification: Uncertain significance. Last evaluated: 2022-08-23. Review status: criteria provided, single submitter. Criteria: Invitae Variant Classification Sherloc (09022015). Collection method: clinical testing. Allele origin: germline.
Comment: This variant is present in population databases (no rsID available, gnomAD 0.0009%). This sequence change replaces leucine, which is neutral and non-polar, with proline, which is neutral and non-polar, at codon 1000 of the ALPK3 protein (p.Leu1000Pro). In summary, the available evidence is currently insufficient to determine the role of this variant in disease. Therefore, it has been classified as a Variant of Uncertain Significance. Algorithms developed to predict the effect of missense changes on protein structure and function output the following: SIFT: "Tolerated"; PolyPhen-2: "Benign"; Align-GVGD: "Class C0". The proline amino acid residue is found in multiple mammalian species, which suggests that this missense change does not adversely affect protein function. ClinVar contains an entry for this variant (Variation ID: 1500130). This variant has not been reported in the literature in individuals affected with ALPK3-related conditions.

NM_020778.5(ALPK3):c.2393T>C (p.Leu798Pro)

Gene: ALPK3 (alpha kinase 3; plus strand). Cytogenetic location: 15q25.3.
Variant type: single nucleotide variant.
Coding change: c.2393T>C on transcript NM_020778.5 (MANE Select); coding-DNA position 2393, T replaced by C.
Protein change: p.Leu798Pro; replaces leucine 798 with proline.
Molecular consequence: missense variant.
Genome position (GRCh38, 1-based): chr15:84,857,131, T>C. VCF-style: chr15-84857131-T-C. GRCh37 (hg19) VCF-style: chr15-85400362-T-C.
Other names: c.2999T>C (NM_020778.4); short protein forms L798P.
Identifiers: ClinVar variation 1500130 (VCV001500130.9), dbSNP rs1002796135, ClinGen allele CA273624251.